The following is an entry in ClinVar:

NM_020774.4(MIB1):c.1697C>G (p.Pro566Arg)

Gene: MIB1 (MIB E3 ubiquitin protein ligase 1; plus strand). Cytogenetic location: 18q11.2.
Variant type: single nucleotide variant.
Coding change: c.1697C>G on transcript NM_020774.4 (MANE Select); coding-DNA position 1697, C replaced by G.
Protein change: p.Pro566Arg; replaces proline 566 with arginine.
Molecular consequence: missense variant.
Genome position (GRCh38, 1-based): chr18:21,819,514, C>G. VCF-style: chr18-21819514-C-G. GRCh37 (hg19) VCF-style: chr18-19399475-C-G.
Other names: short protein forms P566R.
Identifiers: ClinVar variation 3395802 (VCV003395802.1).
Genomic context (GRCh38, chr18:21,819,514, plus strand): 5'-AATTAATTGAAGAACTAATGAAAATTTCTTTAAACTTAAAGGATTCTGAAGGTGATACCC[C>G]TCTTCATGATGCAATAAGTAAGAAACGTGATGATATCCTAGCAGTTCTTTTGGAAGCTGG-3'
Protein context (NP_065825.1, residues 556-576): PSLQDSEGDT[Pro566Arg]LHDAISKKRD

ClinVar aggregate classification (germline): Uncertain significance (1 of 4 stars; one submission).

Conditions:
Inborn genetic diseases. Identifiers: MedGen C0950123, MeSH D030342.

Submission:

Ambry Genetics
Classification: Uncertain significance for Inborn genetic diseases. Last evaluated: 2024-12-09. Review status: criteria provided, single submitter. Criteria: Ambry Variant Classification Scheme 2023. Collection method: clinical testing. Allele origin: germline.
Comment: The p.P566R variant (also known as c.1697C>G), located in coding exon 12 of the MIB1 gene, results from a C to G substitution at nucleotide position 1697. The proline at codon 566 is replaced by arginine, an amino acid with dissimilar properties. This amino acid position is conserved. In addition, this alteration is predicted to be deleterious by in silico analysis. Based on the available evidence, the clinical significance of this variant remains unclear.